The following is an entry in ClinVar:

NC_000006.11:g.(?_162394324)_(162475216_?)dup

Gene: PRKN (parkin RBR E3 ubiquitin protein ligase; minus strand). Cytogenetic location: 6q26.
Variant type: Duplication.
Identifiers: ClinVar variation 1069483 (VCV001069483.7).

ClinVar aggregate classification (germline): Pathogenic (1 of 4 stars; one submission).

Submission:

Labcorp Genetics (formerly Invitae), Labcorp
Classification: Pathogenic. Last evaluated: 2020-06-03. Review status: criteria provided, single submitter. Criteria: Invitae Variant Classification Sherloc (09022015). Collection method: clinical testing. Allele origin: germline.
Comment: This variant results in a copy number gain of the genomic region encompassing exons 5-6 of the PARK2 gene. While the exact position of this variant cannot be determined from this data, sub-genic copy number gains are generally in tandem (PMID: 25640679) and may result in an absent or disrupted protein product. This finding is consistent with autosomal recessive inheritance, and suggests that this variant contributes to disease. For these reasons, this variant has been classified as Pathogenic. Loss-of-function variants in PARK2 are known to be pathogenic (PMID: 10072423, 20301651, 22956510).

Literature cited by the submitters: PubMed 25640679; PubMed 10072423; PubMed 20301651; PubMed 22956510.